The following is an entry in ClinVar:

NM_004360.5(CDH1):c.543CAAAGA[1] (p.Asp183_Lys184del)

Gene: CDH1 (cadherin 1; plus strand). Cytogenetic location: 16q22.1.
Variant type: Microsatellite.
Coding change: c.543CAAAGA[1] on transcript NM_004360.5 (MANE Select); one copy of the 6-base unit CAAAGA starting at c.543; the reference has two copies in a row; one copy, 6 bases deleted.
Protein change: p.Asp183_Lys184del.
Molecular consequence: inframe deletion. On other transcripts: 5 prime UTR variant (2).
Genome position (GRCh38, 1-based): chr16:68,808,710-68,808,715, CAAAGA deleted; deleting any 6 consecutive bases within chr16:68,808,703-68,808,715 gives the same sequence; the position shown is the placement nearest the transcript's 3' end. VCF-style (leftmost placement, unchanged base first): chr16-68808702-AACAAAG-A. GRCh37 (hg19) VCF-style: chr16-68842605-AACAAAG-A.
Other names: c.549_554delCAAAGA (NM_004360.3); c.543CAAAGA[1], p.Asp183_Lys184del (NM_001317184.2); c.-1073CAAAGA[1] (NM_001317185.2); c.-1277CAAAGA[1] (NM_001317186.2).
Identifiers: ClinVar variation 956365 (VCV000956365.11), dbSNP rs1960735700, ClinGen allele CA2229965255.

ClinVar aggregate classification (germline): Uncertain significance. Review status: criteria provided, multiple submitters, no conflicts (2 of 4 stars). 2 submissions from 2 submitters: Uncertain significance (2). Last evaluated 2025-07-22.

Conditions:
Hereditary cancer-predisposing syndrome. Also called: Hereditary neoplastic syndrome; Tumor predisposition; Neoplastic Syndromes, Hereditary; Hereditary Cancer Syndrome. Identifiers: Orphanet 140162, MedGen C0027672, MeSH D009386, MONDO:0015356.
Hereditary diffuse gastric adenocarcinoma (HDGC). Also called: DIFFUSE GASTRIC AND LOBULAR BREAST CANCER SYNDROME. Identifiers: Orphanet 26106, MedGen C1708349, MONDO:0007648, OMIM 137215.

Submissions (2):

Ambry Genetics
Classification: Uncertain significance for Hereditary cancer-predisposing syndrome. Last evaluated: 2025-07-22. Review status: criteria provided, single submitter. Criteria: Ambry Variant Classification Scheme 2023. Collection method: clinical testing. Allele origin: germline.
Comment: The c.549_554delCAAAGA variant (also known as p.D183_K184del) is located in coding exon 5 of the CDH1 gene. This variant results from an in-frame CAAAGA deletion at nucleotide positions 549 to 554. This results in the in-frame deletion of amino acids at codons 183 to 184. This amino acid region is well conserved in available vertebrate species. In addition, this variant is predicted to be deleterious by in silico analysis (Choi Y et al. PLoS ONE. 2012; 7(10):e46688). Based on the available evidence, the clinical significance of this variant remains unclear.

Labcorp Genetics (formerly Invitae), Labcorp
Classification: Uncertain significance for Hereditary diffuse gastric adenocarcinoma. Last evaluated: 2019-09-29. Review status: criteria provided, single submitter. Criteria: Invitae Variant Classification Sherloc (09022015). Collection method: clinical testing. Allele origin: germline.
Comment: Experimental studies and prediction algorithms are not available or were not evaluated, and the functional significance of this variant is currently unknown. In summary, the available evidence is currently insufficient to determine the role of this variant in disease. Therefore, it has been classified as a Variant of Uncertain Significance. This variant has not been reported in the literature in individuals with CDH1-related conditions. This variant is not present in population databases (ExAC no frequency). This variant, c.549_554del, results in the deletion of 2 amino acid(s) of the CDH1 protein (p.Asp183_Lys184del), but otherwise preserves the integrity of the reading frame.